The following is an entry in ClinVar:

ClinVar aggregate classification (germline): Likely pathogenic (1 of 4 stars; one submission).

Conditions:
Autosomal recessive nonsyndromic hearing loss 3. Also called: NEUROSENSORY NONSYNDROMIC RECESSIVE DEAFNESS 3. Identifiers: Orphanet 90636, MedGen C1838263, MONDO:0010860, OMIM 600316.

Submission:

Institute of Rare Diseases, West China Hospital, Sichuan University
Classification: Likely pathogenic for Autosomal recessive nonsyndromic hearing loss 3. Last evaluated: 2025-01-09. Review status: criteria provided, single submitter. Criteria: ClinGen HL ACMG Specifications v1. Collection method: research. Allele origin: germline. Affected: yes.
Comment: PM3_Strong;PM5;PM2_Supporting;PP3

NM_016239.4(MYO15A):c.3757A>G (p.Thr1253Ala)

Gene: MYO15A (myosin XVA; plus strand). Cytogenetic location: 17p11.2.
Variant type: single nucleotide variant.
Coding change: c.3757A>G on transcript NM_016239.4 (MANE Select); coding-DNA position 3757, A replaced by G.
Protein change: p.Thr1253Ala; replaces threonine 1253 with alanine.
Molecular consequence: missense variant.
Genome position (GRCh38, 1-based): chr17:18,126,347, A>G. VCF-style: chr17-18126347-A-G. GRCh37 (hg19) VCF-style: chr17-18029661-A-G.
Other names: short protein forms T1253A.
Identifiers: ClinVar variation 3601324 (VCV003601324.1).
Genomic context (GRCh38, chr17:18,126,347, plus strand): 5'-AGGGAGGGACATAGAGGTCTGCAAGGAGCCACGACGCTGAGGCCACCGTCTGCCCAGCAG[A>G]CATACATTGGGAGCATCCTGGTGTCGGTGAACCCATACCAAATGTTTGGAATCTATGGGC-3'
Protein context (NP_057323.3, residues 1243-1263): KIRFERNLIY[Thr1253Ala]YIGSILVSVN